The following is an entry in ClinVar:

NM_003072.5(SMARCA4):c.2124-5C>T

Gene: SMARCA4 (SWI/SNF related BAF chromatin remodeling complex subunit ATPase 4; plus strand). Cytogenetic location: 19p13.2.
Variant type: single nucleotide variant.
Coding change: c.2124-5C>T on transcript NM_003072.5 (MANE Select); 5 bases into the intron before coding-DNA position 2124, C replaced by T.
Molecular consequence: intron variant.
Genome position (GRCh38, 1-based): chr19:11,010,376, C>T. VCF-style: chr19-11010376-C-T. GRCh37 (hg19) VCF-style: chr19-11121052-C-T.
Other names: c.2124-5C>T (NM_001128844.3, NM_001128849.3, NM_001128847.4 and 6 more transcripts).
Identifiers: ClinVar variation 3958420 (VCV003958420.2).

ClinVar aggregate classification (germline): Conflicting classifications of pathogenicity. Review status: criteria provided, conflicting classifications (1 of 4 stars). 2 submissions from 2 submitters: Uncertain significance (1); Likely benign (1). Last evaluated 2025-07-03.

Conditions:
Rhabdoid tumor predisposition syndrome 2 (RTPS2). Identifiers: Orphanet 231108, Orphanet 69077, MedGen C2750074, MONDO:0013224, OMIM 613325.
Hereditary cancer-predisposing syndrome. Also called: Tumor predisposition; Hereditary neoplastic syndrome; Hereditary Cancer Syndrome; Neoplastic Syndromes, Hereditary. Identifiers: Orphanet 140162, MedGen C0027672, MeSH D009386, MONDO:0015356.

gnomAD v4.1: 2 of 1,613,994 alleles (0.00012%); highest among the groups gnomAD compares: African/African-American, 0.0013%; no homozygotes.

Submissions (2):

Labcorp Genetics (formerly Invitae), Labcorp
Classification: Likely benign for Rhabdoid tumor predisposition syndrome 2. Last evaluated: 2025-07-03. Review status: criteria provided, single submitter. Criteria: Invitae Variant Classification Sherloc (09022015). Collection method: clinical testing. Allele origin: germline.

Ambry Genetics
Classification: Uncertain significance for Hereditary cancer-predisposing syndrome. Last evaluated: 2025-04-01. Review status: criteria provided, single submitter. Criteria: Ambry Variant Classification Scheme 2023. Collection method: clinical testing. Allele origin: germline.
Comment: The c.2124-5C>T intronic variant results from a C to T substitution 5 nucleotides upstream from coding exon 14 in the SMARCA4 gene. This nucleotide position is not well conserved in available vertebrate species. In silico splice site analysis predicts that this alteration will not have any significant effect on splicing. Based on the available evidence, the clinical significance of this variant remains unclear.